The following is an entry in ClinVar:

ClinVar aggregate classification (germline): Likely pathogenic (1 of 4 stars; one submission).

Conditions:
Childhood Onset VCP-related Neurodevelopmental Disorder.

Submission:

The Division of Genetics and Genomic Medicine, Washington University School of Medicine
Classification: Likely pathogenic for Childhood Onset VCP-related Neurodevelopmental Disorder. Last evaluated: 2023-09-01. Review status: criteria provided, single submitter. Criteria: ACMG Guidelines, 2015. Collection method: clinical testing. Allele origin: de novo. Affected: yes. Observed: 1 variant allele.
Comment: It is not present in gnomAD and is predicted to be deleterious by multiple algorithms (REVEL score 0.98). In vitro ATPase assays show this variant has decreased ATPase activity compared to wildtype (Mah-Som et al, 2023).

NM_007126.5(VCP):c.1084C>T (p.Arg362Cys)

Gene: VCP (valosin containing protein; minus strand). Cytogenetic location: 9p13.3.
Variant type: single nucleotide variant.
Coding change: c.1084C>T on transcript NM_007126.5 (MANE Select); coding-DNA position 1084, C replaced by T.
Protein change: p.Arg362Cys; replaces arginine 362 with cysteine.
Molecular consequence: missense variant.
Genome position (GRCh38, 1-based): chr9:35,061,687, G>A on the plus strand (C>T on the coding strand, the complement: VCP is on the minus strand). VCF-style: chr9-35061687-G-A. GRCh37 (hg19) VCF-style: chr9-35061684-G-A.
Other names: NP_009057.1:p.Arg362Cys; c.949C>T, p.Arg317Cys (NM_001354927.2, NM_001354928.2); short protein forms R317C, R362C.
Identifiers: ClinVar variation 2582681 (VCV002582681.1), dbSNP rs2490355959, ClinGen allele CA373283807.